The following is an entry in ClinVar:

NM_000093.5(COL5A1):c.1428C>T (p.Pro476=)

Gene: COL5A1 (collagen type V alpha 1 chain; plus strand). Cytogenetic location: 9q34.3.
Variant type: single nucleotide variant.
Coding change: c.1428C>T on transcript NM_000093.5 (MANE Select); coding-DNA position 1428, C replaced by T.
Protein change: p.Pro476=; no amino-acid change (proline 476 retained).
Molecular consequence: synonymous variant.
Genome position (GRCh38, 1-based): chr9:134,738,512, C>T. VCF-style: chr9-134738512-C-T. GRCh37 (hg19) VCF-style: chr9-137630358-C-T.
Other names: p.Pro476=; c.1428C>T, p.Pro476= (NM_001278074.1); c.1428C>T (NM_000093.3).
Identifiers: ClinVar variation 705866 (VCV000705866.12), dbSNP rs745633063, ClinGen allele CA5318785.

ClinVar aggregate classification (germline): Likely benign. Review status: criteria provided, multiple submitters, no conflicts (2 of 4 stars). 5 submissions from 5 submitters: Likely benign (5). Last evaluated 2025-10-05.

Conditions:
Familial thoracic aortic aneurysm and aortic dissection (TAAD). Also called: Thoracic aortic aneurysms and dissections. Identifiers: Orphanet 91387, MedGen C4707243, MONDO:0019625.
Ehlers-Danlos syndrome, classic type, 1 (EDSCL1). Also called: EDS I; EHLERS-DANLOS SYNDROME, GRAVIS TYPE; EHLERS-DANLOS SYNDROME, SEVERE CLASSIC TYPE; Ehlers-Danlos Syndrome, Classic Type, COL5A1-Related; Ehlers-Danlos syndrome, type 1. Identifiers: MedGen C0268335, MONDO:0019567, OMIM 130000.

Allele frequency attached by ClinVar (database versions not stated): gnomAD exomes 0.00003; TOPMed 0.00005; gnomAD 0.00010.
gnomAD v4.1: 50 of 1,613,996 alleles (0.0031%); highest among the groups gnomAD compares: Middle Eastern, 0.033%; 1 homozygote.

Submissions (5):

Ambry Genetics
Classification: Likely benign for Familial thoracic aortic aneurysm and aortic dissection. Last evaluated: 2025-10-05. Review status: criteria provided, single submitter. Criteria: Ambry Variant Classification Scheme 2023. Collection method: clinical testing. Allele origin: germline.

Mayo Clinic Laboratories, Mayo Clinic
Classification: Likely benign. Last evaluated: 2025-01-14. Review status: criteria provided, single submitter. Criteria: ACMG Guidelines, 2015. Collection method: clinical testing. Allele origin: germline. Observed: 1 variant allele.
Comment: BS1, BP4, BP7

Labcorp Genetics (formerly Invitae), Labcorp
Classification: Likely benign for Ehlers-Danlos syndrome, classic type, 1. Last evaluated: 2024-09-24. Review status: criteria provided, single submitter. Criteria: Invitae Variant Classification Sherloc (09022015). Collection method: clinical testing. Allele origin: germline.

Women's Health and Genetics/Laboratory Corporation of America, LabCorp
Classification: Likely benign. Last evaluated: 2023-08-10. Review status: criteria provided, single submitter. Criteria: LabCorp Variant Classification Summary - May 2015. Collection method: clinical testing. Allele origin: germline.

Blueprint Genetics
Classification: Likely benign. Last evaluated: 2021-11-10. Review status: criteria provided, single submitter. Criteria: ACMG Guidelines, 2015. Collection method: clinical testing. Allele origin: germline.